The following is an entry in ClinVar:

ClinVar aggregate classification (germline): Uncertain significance (1 of 4 stars; one submission).

Conditions:
Glycogen storage disease due to muscle and heart glycogen synthase deficiency. Also called: MUSCLE GLYCOGEN SYNTHASE DEFICIENCY; GSD 0b. Identifiers: Orphanet 137625, MedGen C1969054, MONDO:0012693, OMIM 611556.

Allele frequency attached by ClinVar (database versions not stated): gnomAD exomes below 0.00001 and 0.00001; TOPMed 0.00001.
gnomAD v4.1: 10 of 1,610,932 alleles (0.00062%); highest among the groups gnomAD compares: East Asian, 0.0022%; no homozygotes.

Submission:

Labcorp Genetics (formerly Invitae), Labcorp
Classification: Uncertain significance for Glycogen storage disease due to muscle and heart glycogen synthase deficiency. Last evaluated: 2022-07-19. Review status: criteria provided, single submitter. Criteria: Invitae Variant Classification Sherloc (09022015). Collection method: clinical testing. Allele origin: germline.
Comment: This variant has not been reported in the literature in individuals affected with GYS1-related conditions. This variant is present in population databases (no rsID available, gnomAD 0.006%). This sequence change replaces arginine, which is basic and polar, with glutamine, which is neutral and polar, at codon 309 of the GYS1 protein (p.Arg309Gln). ClinVar contains an entry for this variant (Variation ID: 1376868). In summary, the available evidence is currently insufficient to determine the role of this variant in disease. Therefore, it has been classified as a Variant of Uncertain Significance. Algorithms developed to predict the effect of sequence changes on RNA splicing suggest that this variant may disrupt the consensus splice site. Algorithms developed to predict the effect of missense changes on protein structure and function are either unavailable or do not agree on the potential impact of this missense change (SIFT: "Deleterious"; PolyPhen-2: "Benign"; Align-GVGD: "Class C0").

NM_002103.5(GYS1):c.926G>A (p.Arg309Gln)

Gene: GYS1 (glycogen synthase 1; minus strand). Cytogenetic location: 19q13.33.
Variant type: single nucleotide variant.
Coding change: c.926G>A on transcript NM_002103.5 (MANE Select); coding-DNA position 926, G replaced by A.
Protein change: p.Arg309Gln; replaces arginine 309 with glutamine.
Molecular consequence: missense variant. On other transcripts: non-coding transcript variant (1).
Genome position (GRCh38, 1-based): chr19:48,982,735, C>T on the plus strand (G>A on the coding strand, the complement: GYS1 is on the minus strand). VCF-style: chr19-48982735-C-T. GRCh37 (hg19) VCF-style: chr19-49485992-C-T.
Other names: c.734G>A, p.Arg245Gln (NM_001161587.2); short protein forms R309Q, R245Q.
Identifiers: ClinVar variation 1376868 (VCV001376868.4), dbSNP rs1183870445, ClinGen allele CA406763562.